The following continues an entry in ClinVar:

NM_004562.3(PRKN):c.719C>T (p.Thr240Met)

Gene: PRKN. ClinVar aggregate classification (germline): Conflicting classifications of pathogenicity. Pathogenic (13); Likely pathogenic (7); Uncertain significance (1).

Submissions 12 to 22 of 22:

CeGaT Center for Human Genetics Tuebingen
Classification: Pathogenic. Last evaluated: 2023-06-01. Review status: criteria provided, single submitter. Criteria: CeGaT Center For Human Genetics Tuebingen Variant Classification Criteria Version 2. Collection method: clinical testing. Allele origin: germline. Affected: yes. Observed: 2 variant alleles.
Comment: PRKN: PM3:Very Strong, PM2, PP1, PS3:Supporting

AiLife Diagnostics
Classification: Likely pathogenic. Last evaluated: 2022-03-29. Review status: criteria provided, single submitter. Criteria: ACMG Guidelines, 2015. Collection method: clinical testing. Allele origin: germline. Affected: yes. Observed: 1 variant allele.

CENTOGENE GmbH and LLC - Guiding Precision Medicine
Classification: Pathogenic for Autosomal recessive juvenile Parkinson disease 2. Last evaluated: 2021-08-18. Review status: criteria provided, single submitter. Criteria: ACMG Guidelines, 2015. Collection method: clinical testing. Allele origin: germline. Affected: yes.

Fulgent Genetics
Classification: Pathogenic for Young-onset Parkinson disease. Last evaluated: 2021-05-03. Review status: criteria provided, single submitter. Criteria: ACMG Guidelines, 2015. Collection method: clinical testing. Allele origin: germline. Affected: yes.

Genomic Research Center, Shahid Beheshti University of Medical Sciences
Classification: Likely pathogenic for Neoplasm of ovary. Last evaluated: 2020-05-03. Review status: criteria provided, single submitter. Criteria: ACMG Guidelines, 2015. Collection method: clinical testing. Allele origin: unknown. Affected: yes.

Institute of Human Genetics Munich, TUM University Hospital
Classification: Pathogenic for Autosomal recessive juvenile Parkinson disease 2. Last evaluated: 2019-06-07. Review status: criteria provided, single submitter. Criteria: Classification criteria August 2017. Collection method: clinical testing. Allele origin: germline. Inheritance: Autosomal recessive inheritance. Affected: yes. Observed: 1 compound heterozygote.

Illumina Laboratory Services, Illumina
Classification: Pathogenic for Autosomal recessive juvenile Parkinson disease 2. Last evaluated: 2017-10-20. Review status: criteria provided, single submitter. Criteria: ICSL Variant Classification Criteria 09 May 2019. Collection method: clinical testing. Allele origin: germline.
Comment: Across a selection of the available literature, the PARK2 c.719C>T (p.Thr240Met) missense variant has been reported in a biallelic state in at least six individuals with Parkinson disease (PD) from three families, with age of onset ranging from 22 to 40 years (Madegowda et al. 2005; Deng et al. 2006; Camargos et al. 2009). Based on this information, this variant is expected to confer recessive disease although dominant disease implications cannot be completely ruled out. The p.Thr240Met variant was absent from 660 control chromosomes and is reported at a frequency of 0.00172 in the South Asian population of the Genome Aggregation Database. Compared to the wildtype, the parkin protein containing the p.Thr240Met variant, which occurs at a moderately conserved residue in the RING1 protein domain, showed decreased Î²-catenin ubiquitinating activity when expressed in HEK293T cells (Lin et al. 2015). Two other missense variants at the same position have also been reported in association with PD. Based on the collective evidence, the p.Thr240Met variant is classified as pathogenic for juvenile Parkinson disease. This variant was observed by ICSL as part of a predisposition screen in an ostensibly healthy population.

Athena Diagnostics
Classification: Likely pathogenic. Last evaluated: 2017-02-03. Review status: criteria provided, single submitter. Criteria: Athena Diagnostics Criteria. Collection method: clinical testing. Allele origin: germline.

Center for Pediatric Genomic Medicine, Children's Mercy Hospital and Clinics
Classification: Uncertain significance. Last evaluated: 2016-07-06. Review status: criteria provided, single submitter. Criteria: ACMG Guidelines, 2015. Collection method: clinical testing. Allele origin: germline.
ClinVar note: Converted during submission from Uncertain Significance to Uncertain significance.

Intergen Genetics and Rare Diseases Diagnosis Center
Classification: Pathogenic for Autosomal recessive juvenile Parkinson disease 2. Review status: criteria provided, single submitter. Criteria: ACMG Guidelines, 2015. Collection method: clinical testing. Allele origin: unknown. Inheritance: Autosomal recessive inheritance. Affected: no. Observed: 1 heterozygote.

OMIM
Classification: Pathogenic for PARKINSON DISEASE 2, AUTOSOMAL RECESSIVE JUVENILE. Last evaluated: 2006-02-01. Review status: no assertion criteria provided. Collection method: literature only. Allele origin: germline. Not counted in ClinVar's aggregate classification.

Literature cited by the submitters: PubMed 12764050 (cited by 4 submitters); PubMed 16476817 (cited by 7 submitters); PubMed 18519021 (cited by 3 submitters); PubMed 18973255 (cited by 3 submitters); PubMed 19205068 (cited by 6 submitters); PubMed 23275044 (cited by 3 submitters); PubMed 26274610 (cited by 5 submitters); PubMed 9731209 (cited by Rady Children's Institute for Genomic Medicine, Rady Children's Hospital San Diego); PubMed 12629236 (cited by 5 submitters); PubMed 16227559 (cited by 5 submitters); PubMed 18211709 (cited by 3 submitters); PubMed 24167364 (cited by 4 submitters); PubMed 25877876 (cited by Rady Children's Institute for Genomic Medicine, Rady Children's Hospital San Diego and Illumina Laboratory Services, Illumina); PubMed 31929871 (cited by Rady Children's Institute for Genomic Medicine, Rady Children's Hospital San Diego); PubMed 32870915 (cited by AiLife Diagnostics); PubMed 34426522 (cited by AiLife Diagnostics); PubMed 33045815 (cited by AiLife Diagnostics); PubMed 31409571 (cited by AiLife Diagnostics); PubMed 26556299 (cited by AiLife Diagnostics); PubMed 30994895 (cited by AiLife Diagnostics); PubMed 30200940 (cited by AiLife Diagnostics); PubMed 16367892 (cited by Athena Diagnostics); PubMed 19636047 (cited by Athena Diagnostics).